The following is an entry in ClinVar:

NM_000441.2(SLC26A4):c.1085C>A (p.Ala362Asp)

Gene: SLC26A4 (solute carrier family 26 member 4; plus strand). Cytogenetic location: 7q22.3.
Variant type: single nucleotide variant.
Coding change: c.1085C>A on transcript NM_000441.2 (MANE Select); coding-DNA position 1085, C replaced by A.
Protein change: p.Ala362Asp; replaces alanine 362 with aspartic acid.
Molecular consequence: missense variant.
Genome position (GRCh38, 1-based): chr7:107,689,136, C>A. VCF-style: chr7-107689136-C-A. GRCh37 (hg19) VCF-style: chr7-107329581-C-A.
Other names: short protein forms A362D.
Identifiers: ClinVar variation 372827 (VCV000372827.1), dbSNP rs1057518006, ClinGen allele CA16042657.
Genomic context (GRCh38, chr7:107,689,136, plus strand): 5'-CTGTGAGCTTGTTCTCGGAGATGCTGGCTGCATCATTTTCCATCGCTGTGGTGGCTTATG[C>A]TATTGCAGTGTCAGTAGGAAAAGTATATGCCACCAAGTATGATTACACCATCGATGGGAA-3'
Protein context (NP_000432.1, residues 352-372): ASFSIAVVAY[Ala362Asp]IAVSVGKVYA

ClinVar aggregate classification (germline): Likely pathogenic (1 of 4 stars; one submission).

Submission:

GeneDx
Classification: Likely pathogenic. Last evaluated: 2016-07-07. Review status: criteria provided, single submitter. Criteria: GeneDx Variant Classification (06012015). Collection method: clinical testing. Allele origin: germline. Affected: yes.
Comment: The A362D variant in the SLC26A4 gene has not been reported previously as a pathogenic variant, nor as a benign variant, to our knowledge. The A362D variant was not observed in approximately 6500 individuals of European and African American ancestry in the NHLBI Exome Sequencing Project, indicating it is not a common benign variant in these populations. The A362D variant is a non-conservative amino acid substitution, which is likely to impact secondary protein structure as these residues differ in polarity, charge, size and/or other properties, and in silico analysis does predict this variant is probably damaging to the protein structure/function. This substitution also occurs at a position that is conserved across species. Missense variants in nearby residues (A360V and L369E) have been reported in the Human Gene Mutation Database in association with SLC26A4-related disorders (Stenson et al., 2014), supporting the functional importance of this region of the protein. The A362D variant was previously interpreted to be a variant of uncertain significance.